The following is an entry in ClinVar:

ClinVar aggregate classification (germline): Uncertain significance (1 of 4 stars; one submission).

Allele frequency attached by ClinVar (database versions not stated): gnomAD 0.00001 and 0.00002; gnomAD exomes 0.00001; ExAC 0.00002.
gnomAD v4.1: 24 of 1,613,930 alleles (0.0015%); highest among the groups gnomAD compares: African/African-American, 0.004%; no homozygotes.

Submission:

Labcorp Genetics (formerly Invitae), Labcorp
Classification: Uncertain significance. Last evaluated: 2021-06-20. Review status: criteria provided, single submitter. Criteria: Invitae Variant Classification Sherloc (09022015). Collection method: clinical testing. Allele origin: germline.
Comment: This variant is present in population databases (rs767203396, ExAC 0.01%). This variant has not been reported in the literature in individuals with SORL1-related conditions. Algorithms developed to predict the effect of missense changes on protein structure and function are either unavailable or do not agree on the potential impact of this missense change (SIFT: "Deleterious"; PolyPhen-2: "Benign"; Align-GVGD: "Class C0"). In summary, the available evidence is currently insufficient to determine the role of this variant in disease. Therefore, it has been classified as a Variant of Uncertain Significance. This sequence change replaces arginine with tryptophan at codon 287 of the SORL1 protein (p.Arg287Trp). The arginine residue is moderately conserved and there is a moderate physicochemical difference between arginine and tryptophan.

NM_003105.6(SORL1):c.859C>T (p.Arg287Trp)

Gene: SORL1 (sortilin related receptor 1; plus strand). Cytogenetic location: 11q24.1.
Variant type: single nucleotide variant.
Coding change: c.859C>T on transcript NM_003105.6 (MANE Select); coding-DNA position 859, C replaced by T.
Protein change: p.Arg287Trp; replaces arginine 287 with tryptophan.
Molecular consequence: missense variant.
Genome position (GRCh38, 1-based): chr11:121,496,969, C>T. VCF-style: chr11-121496969-C-T. GRCh37 (hg19) VCF-style: chr11-121367678-C-T.
Other names: short protein forms R287W.
Identifiers: ClinVar variation 1352608 (VCV001352608.8), dbSNP rs767203396, ClinGen allele CA6328489.
Genomic context (GRCh38, chr11:121,496,969, plus strand): 5'-GAACGACATGAACCCTCTGGCTACTCCACTGTCTTCCGAAGTACAGATTTCTTCCAGTCC[C>T]GGGAAAACCAGGAAGTGATCCTTGAGGAAGTGAGAGATTTTCAGCTTCGGGACAAGTACA-3'
Protein context (NP_003096.2, residues 277-297): VFRSTDFFQS[Arg287Trp]ENQEVILEEV